The following is an entry in ClinVar:

NM_004304.5(ALK):c.452T>C (p.Leu151Ser)

Gene: ALK (ALK receptor tyrosine kinase; minus strand). Cytogenetic location: 2p23.1.
Variant type: single nucleotide variant.
Coding change: c.452T>C on transcript NM_004304.5 (MANE Select); coding-DNA position 452, T replaced by C.
Protein change: p.Leu151Ser; replaces leucine 151 with serine.
Molecular consequence: missense variant.
Genome position (GRCh38, 1-based): chr2:29,920,208, A>G on the plus strand (T>C on the coding strand, the complement: ALK is on the minus strand). VCF-style: chr2-29920208-A-G. GRCh37 (hg19) VCF-style: chr2-30143074-A-G.
Other names: short protein forms L151S.
Identifiers: ClinVar variation 2452102 (VCV002452102.2), dbSNP rs2465865965, ClinGen allele CA346590017.

ClinVar aggregate classification (germline): Uncertain significance (1 of 4 stars; one submission).

Conditions:
Hereditary cancer-predisposing syndrome. Also called: Neoplastic Syndromes, Hereditary; Tumor predisposition; Hereditary neoplastic syndrome; Hereditary Cancer Syndrome. Identifiers: Orphanet 140162, MedGen C0027672, MeSH D009386, MONDO:0015356.

Submission:

Ambry Genetics
Classification: Uncertain significance for Hereditary cancer-predisposing syndrome. Last evaluated: 2022-12-09. Review status: criteria provided, single submitter. Criteria: Ambry Variant Classification Scheme 2023. Collection method: clinical testing. Allele origin: germline.
Comment: The p.L151S variant (also known as c.452T>C), located in coding exon 1 of the ALK gene, results from a T to C substitution at nucleotide position 452. The leucine at codon 151 is replaced by serine, an amino acid with dissimilar properties. This amino acid position is conserved. In addition, the in silico prediction for this alteration is inconclusive. Since supporting evidence is limited at this time, the clinical significance of this alteration remains unclear.